The following is an entry in ClinVar:

NM_004415.4(DSP):c.997A>G (p.Ser333Gly)

Gene: DSP (desmoplakin; plus strand). Cytogenetic location: 6p24.3.
Variant type: single nucleotide variant.
Coding change: c.997A>G on transcript NM_004415.4 (MANE Select); coding-DNA position 997, A replaced by G.
Protein change: p.Ser333Gly; replaces serine 333 with glycine.
Molecular consequence: missense variant.
Genome position (GRCh38, 1-based): chr6:7,566,434, A>G. VCF-style: chr6-7566434-A-G. GRCh37 (hg19) VCF-style: chr6-7566667-A-G.
Other names: c.997A>G (LRG_423t1); c.997A>G, p.Ser333Gly (NM_001008844.3, NM_001319034.2); short protein forms S333G.
Identifiers: ClinVar variation 451452 (VCV000451452.15), dbSNP rs773685575, ClinGen allele CA053443.

ClinVar aggregate classification (germline): Conflicting classifications of pathogenicity. Review status: criteria provided, conflicting classifications (1 of 4 stars). 6 submissions from 6 submitters: Uncertain significance (5); Likely benign (1). Last evaluated 2025-10-22.

Conditions:
Cardiovascular phenotype. Identifiers: MedGen CN230736.
Woolly hair-skin fragility syndrome (WHSF). Identifiers: Orphanet 293165, MedGen C1843292, MONDO:0957307, OMIM 620415.
Arrhythmogenic cardiomyopathy with wooly hair and keratoderma. Also called: PALMOPLANTAR KERATODERMA WITH LEFT VENTRICULAR CARDIOMYOPATHY AND WOOLLY HAIR; Carvajal syndrome; Dilated cardiomyopathy with woolly hair and keratoderma; Arrhythmogenic cardiomyopathy with woolly hair and keratoderma. Identifiers: Orphanet 65282, MedGen C1854063, MONDO:0011581, OMIM 605676.
Lethal acantholytic epidermolysis bullosa (EBLA). Identifiers: Orphanet 158687, MedGen C1864826, MONDO:0012323, OMIM 609638.
Arrhythmogenic right ventricular dysplasia 8 (ARVD8). Also called: Arrhythmogenic Right Ventricular Dysplasia/Cardiomyopathy 8; ARRHYTHMOGENIC RIGHT VENTRICULAR CARDIOMYOPATHY 8; ARRHYTHMOGENIC RIGHT VENTRICULAR DYSPLASIA, FAMILIAL, 8. Identifiers: MedGen C1843896, MONDO:0011831, OMIM 607450.
Keratosis palmoplantaris striata 2. Also called: KERATODERMA, PALMOPLANTAR, STRIATE FORM II; STRIATE PALMOPLANTAR KERATODERMA II; Keratosis palmoplantaris striata II. Identifiers: MedGen C1852127, MONDO:0013034, OMIM 612908.
Cardiomyopathy, dilated, with wooly hair, keratoderma, and tooth agenesis. Also called: Erythrokeratodermia-cardiomyopathy syndrome; Cardiomyopathy, dilated, with woolly hair, keratoderma, and tooth agenesis. Identifiers: Orphanet 476096, Orphanet 65282, MedGen C4014393, MONDO:0014355, OMIM 615821.
Cardiomyopathy (CMYO). Also called: Cardiomyopathies. Identifiers: Orphanet 167848, MedGen C0878544, MONDO:0004994, HP:0001638. Inheritance: Various modes of inheritance.

Allele frequency attached by ClinVar (database versions not stated): gnomAD exomes below 0.00001; ExAC 0.00001; gnomAD 0.00003; TOPMed 0.00004.
gnomAD v4.1: 6 of 1,613,982 alleles (0.00037%); highest among the groups gnomAD compares: African/African-American, 0.0067%; no homozygotes.

Submissions (6):

Labcorp Genetics (formerly Invitae), Labcorp
Classification: Likely benign for Arrhythmogenic cardiomyopathy with wooly hair and keratoderma; Arrhythmogenic right ventricular dysplasia 8. Last evaluated: 2025-10-22. Review status: criteria provided, single submitter. Criteria: Invitae Variant Classification Sherloc (09022015). Collection method: clinical testing. Allele origin: germline.

Ambry Genetics
Classification: Uncertain significance for Cardiovascular phenotype. Last evaluated: 2024-10-25. Review status: criteria provided, single submitter. Criteria: Ambry Variant Classification Scheme 2023. Collection method: clinical testing. Allele origin: germline.
Comment: The p.S333G variant (also known as c.997A>G), located in coding exon 8 of the DSP gene, results from an A to G substitution at nucleotide position 997. The serine at codon 333 is replaced by glycine, an amino acid with similar properties. This amino acid position is well conserved in available vertebrate species. In addition, the in silico prediction for this alteration is inconclusive. Based on the available evidence, the clinical significance of this variant remains unclear.

All of Us Research Program, National Institutes of Health
Classification: Uncertain significance for Arrhythmogenic cardiomyopathy with wooly hair and keratoderma. Last evaluated: 2024-03-24. Review status: criteria provided, single submitter. Criteria: ACMG Guidelines, 2015. Collection method: clinical testing. Allele origin: germline. Inheritance: Autosomal dominant inheritance. Observed: 1 variant allele, 1 heterozygote.
Comment: This missense variant replaces serine with glycine at codon 333 of the DSP protein. Computational prediction suggests that this variant may not impact protein structure and function (internally defined REVEL score threshold <= 0.5, PMID: 27666373). To our knowledge, functional studies have not been reported for this variant. This variant has not been reported in individuals affected with DSP-related disorders in the literature. This variant has been identified in 3/282506 chromosomes in the general population by the Genome Aggregation Database (gnomAD). The available evidence is insufficient to determine the role of this variant in disease conclusively. Therefore, this variant is classified as a Variant of Uncertain Significance.

This study involves interpretation of variants in research participants for the purpose of population health screening. Participant phenotype was not available at the time of variant classification. Additional details can be found in publication PMID: 35346344, PMCID: PMC8962531

Color Diagnostics, LLC DBA Color Health
Classification: Uncertain significance for Cardiomyopathy. Last evaluated: 2024-02-20. Review status: criteria provided, single submitter. Criteria: ACMG Guidelines, 2015. Collection method: clinical testing. Allele origin: germline.
Comment: This missense variant replaces serine with glycine at codon 333 of the DSP protein. Computational prediction suggests that this variant may not impact protein structure and function. To our knowledge, functional studies have not been reported for this variant. This variant has not been reported in individuals affected with DSP-related disorders in the literature. This variant has been identified in 3/282506 chromosomes in the general population by the Genome Aggregation Database (gnomAD). The available evidence is insufficient to determine the role of this variant in disease conclusively. Therefore, this variant is classified as a Variant of Uncertain Significance.

Fulgent Genetics
Classification: Uncertain significance for Arrhythmogenic cardiomyopathy with wooly hair and keratoderma; Arrhythmogenic right ventricular dysplasia 8; Lethal acantholytic epidermolysis bullosa; Keratosis palmoplantaris striata 2; Cardiomyopathy, dilated, with wooly hair, keratoderma, and tooth agenesis. Last evaluated: 2021-08-24. Review status: criteria provided, single submitter. Criteria: ACMG Guidelines, 2015. Collection method: clinical testing. Allele origin: unknown.

GeneDx
Classification: Uncertain significance. Last evaluated: 2021-03-18. Review status: criteria provided, single submitter. Criteria: GeneDx Variant Classification Process June 2021. Collection method: clinical testing. Allele origin: germline. Affected: yes.
Comment: Not observed at a significant frequency in large population cohorts (Lek et al., 2016); In silico analysis supports that this missense variant does not alter protein structure/function; In silico analysis, which includes splice predictors and evolutionary conservation, suggests this variant may impact gene splicing. In the absence of RNA/functional studies, the actual effect of this sequence change is unknown.; Has not been previously published as pathogenic or benign to our knowledge